The following is an entry in ClinVar:

ClinVar aggregate classification (germline): Uncertain significance. Review status: criteria provided, multiple submitters, no conflicts (2 of 4 stars). 2 submissions from 2 submitters: Uncertain significance (2). Last evaluated 2022-08-19.

gnomAD v4.1: 10 of 1,613,934 alleles (0.00062%); highest among the groups gnomAD compares: African/African-American, 0.0027%; no homozygotes.

Submissions (2):

Blueprint Genetics
Classification: Uncertain significance. Last evaluated: 2022-08-19. Review status: criteria provided, single submitter. Criteria: ACMG Guidelines, 2015. Collection method: clinical testing. Allele origin: germline.

Labcorp Genetics (formerly Invitae), Labcorp
Classification: Uncertain significance. Last evaluated: 2022-08-09. Review status: criteria provided, single submitter. Criteria: Invitae Variant Classification Sherloc (09022015). Collection method: clinical testing. Allele origin: germline.
Comment: In summary, the available evidence is currently insufficient to determine the role of this variant in disease. Therefore, it has been classified as a Variant of Uncertain Significance. Advanced modeling of protein sequence and biophysical properties (such as structural, functional, and spatial information, amino acid conservation, physicochemical variation, residue mobility, and thermodynamic stability) performed at Invitae indicates that this missense variant is expected to disrupt GRM6 protein function. This variant has not been reported in the literature in individuals affected with GRM6-related conditions. This variant is not present in population databases (gnomAD no frequency). This sequence change replaces cysteine, which is neutral and slightly polar, with arginine, which is basic and polar, at codon 744 of the GRM6 protein (p.Cys744Arg).

NM_000843.4(GRM6):c.2230T>C (p.Cys744Arg)

Genes: GRM6 (glutamate metabotropic receptor 6; minus strand), ZNF454 (zinc finger protein 454; plus strand). Cytogenetic location: 5q35.3.
Variant type: single nucleotide variant.
Coding change: c.2230T>C on transcript NM_000843.4 (MANE Select); coding-DNA position 2230, T replaced by C.
Protein change: p.Cys744Arg; replaces cysteine 744 with arginine.
Molecular consequence: missense variant.
Genome position (GRCh38, 1-based): chr5:178,983,116, A>G on the plus strand (T>C on the coding strand, the complement: GRM6 is on the minus strand). VCF-style: chr5-178983116-A-G. GRCh37 (hg19) VCF-style: chr5-178410117-A-G.
Other names: short protein forms C744R.
Identifiers: ClinVar variation 1943682 (VCV001943682.6), dbSNP rs757551951, ClinGen allele CA362424650.
Genomic context (GRCh38, chr5:178,983,116, plus strand): 5'-TGACCATGAGCAGGAGGCTGTAGCCCAGGCAGCCGATGAGAGACAGATCCGACATGTCGC[A>G]CTTGAGCACCCCTCTGGCCTGCTCGGGGTCCACCGTCCGCTGTTCCTCATAGTCAATCAC-3'
Protein context (NP_000834.2, residues 734-754): DPEQARGVLK[Cys744Arg]DMSDLSLIGC